The following is an entry in ClinVar:

ClinVar aggregate classification (germline): Conflicting classifications of pathogenicity. Review status: criteria provided, conflicting classifications (1 of 4 stars). 4 submissions from 3 submitters: Uncertain significance (3); Benign (1). Last evaluated 2025-06-12.

Conditions:
Aortic valve disease 1 (AOVD1). Identifiers: MedGen C3887892, MONDO:0024523, OMIM 109730.
Adams-Oliver syndrome 5 (AOS5). Identifiers: Orphanet 974, MedGen C4014970, MONDO:0014459, OMIM 616028.

Allele frequency attached by ClinVar (database versions not stated): gnomAD exomes below 0.00001; ExAC 0.00001; TOPMed 0.00002.
gnomAD v4.1: 5 of 1,610,322 alleles (0.00031%); highest among the groups gnomAD compares: Admixed American, 0.0017%; no homozygotes.

Submissions (4):

Labcorp Genetics (formerly Invitae), Labcorp
Classification: Benign for Adams-Oliver syndrome 5. Last evaluated: 2025-06-12. Review status: criteria provided, single submitter. Criteria: Invitae Variant Classification Sherloc (09022015). Collection method: clinical testing. Allele origin: germline.

Genome-Nilou Lab
Classification: Uncertain significance for Adams-Oliver syndrome 5. Last evaluated: 2022-03-15. Review status: criteria provided, single submitter. Criteria: ACMG Guidelines, 2015. Collection method: clinical testing. Allele origin: germline. Affected: no.

Genome-Nilou Lab
Classification: Uncertain significance for Aortic valve disease 1. Last evaluated: 2022-03-15. Review status: criteria provided, single submitter. Criteria: ACMG Guidelines, 2015. Collection method: clinical testing. Allele origin: germline. Affected: no.

GeneDx
Classification: Uncertain significance. Last evaluated: 2019-12-02. Review status: criteria provided, single submitter. Criteria: GeneDx Variant Classification Process June 2021. Collection method: clinical testing. Allele origin: germline. Affected: yes.
Comment: Not observed at a significant frequency in large population cohorts (Lek et al., 2016); In silico analysis, which includes protein predictors and evolutionary conservation, supports that this variant does not alter protein structure/function; Has not been previously published as pathogenic or benign to our knowledge

NM_017617.5(NOTCH1):c.6767C>T (p.Ala2256Val)

Gene: NOTCH1 (notch receptor 1; minus strand). Cytogenetic location: 9q34.3.
Variant type: single nucleotide variant.
Coding change: c.6767C>T on transcript NM_017617.5 (MANE Select); coding-DNA position 6767, C replaced by T.
Protein change: p.Ala2256Val; replaces alanine 2256 with valine.
Molecular consequence: missense variant.
Genome position (GRCh38, 1-based): chr9:136,496,972, G>A on the plus strand (C>T on the coding strand, the complement: NOTCH1 is on the minus strand). VCF-style: chr9-136496972-G-A. GRCh37 (hg19) VCF-style: chr9-139391424-G-A.
Other names: short protein forms A2256V.
Identifiers: ClinVar variation 1038004 (VCV001038004.11), dbSNP rs759225800, ClinGen allele CA5339825.